The following is an entry in ClinVar:

NM_020964.3(EPG5):c.3767A>G (p.Glu1256Gly)

Gene: EPG5 (ectopic P-granules 5 autophagy tethering factor; minus strand). Cytogenetic location: 18q21.1.
Variant type: single nucleotide variant.
Coding change: c.3767A>G on transcript NM_020964.3 (MANE Select); coding-DNA position 3767, A replaced by G.
Protein change: p.Glu1256Gly; replaces glutamic acid 1256 with glycine.
Molecular consequence: missense variant.
Genome position (GRCh38, 1-based): chr18:45,913,755, T>C on the plus strand (A>G on the coding strand, the complement: EPG5 is on the minus strand). VCF-style: chr18-45913755-T-C. GRCh37 (hg19) VCF-style: chr18-43493720-T-C.
Other names: c.3767A>G (NM_020964.2); short protein forms E1256G.
Identifiers: ClinVar variation 1023762 (VCV001023762.6), dbSNP rs766928627, ClinGen allele CA8949072.
Genomic context (GRCh38, chr18:45,913,755, plus strand): 5'-GCTATTTGTACCTTCAGAGCTTGGTCAGGGGTGAAAGCAGAGTTTATCACCAATTCCCCT[T>C]CAATAACTCTCCGGAGCTGGGAGTCCTCTTCAAAGATGGATTCCATGTTGAGCACTGTCC-3'
Protein context (NP_066015.2, residues 1246-1266): EEDSQLRRVI[Glu1256Gly]GELVINSAFT

ClinVar aggregate classification (germline): Uncertain significance. Review status: criteria provided, multiple submitters, no conflicts (2 of 4 stars). 3 submissions from 3 submitters: Uncertain significance (3). Last evaluated 2024-04-08.

Conditions:
Vici syndrome (VICIS). Identifiers: Orphanet 1493, MedGen C1855772, MONDO:0009452, OMIM 242840.
Inborn genetic diseases. Identifiers: MedGen C0950123, MeSH D030342.

Allele frequency attached by ClinVar (database versions not stated): gnomAD 0.00001; TOPMed 0.00004; gnomAD exomes 0.00005 and 0.00010; ExAC 0.00006.
gnomAD v4.1: 29 of 1,614,000 alleles (0.0018%); highest among the groups gnomAD compares: Admixed American, 0.048%; no homozygotes.

Submissions (3):

Fulgent Genetics
Classification: Uncertain significance for Vici syndrome. Last evaluated: 2024-04-08. Review status: criteria provided, single submitter. Criteria: ACMG Guidelines, 2015. Collection method: clinical testing. Allele origin: germline.

Labcorp Genetics (formerly Invitae), Labcorp
Classification: Uncertain significance for Vici syndrome. Last evaluated: 2022-06-27. Review status: criteria provided, single submitter. Criteria: Invitae Variant Classification Sherloc (09022015). Collection method: clinical testing. Allele origin: germline.
Comment: This sequence change replaces glutamic acid, which is acidic and polar, with glycine, which is neutral and non-polar, at codon 1256 of the EPG5 protein (p.Glu1256Gly). This variant is present in population databases (rs766928627, gnomAD 0.07%). This variant has not been reported in the literature in individuals affected with EPG5-related conditions. ClinVar contains an entry for this variant (Variation ID: 1023762). Algorithms developed to predict the effect of missense changes on protein structure and function are either unavailable or do not agree on the potential impact of this missense change (SIFT: "Tolerated"; PolyPhen-2: "Probably Damaging"; Align-GVGD: "Class C0"). In summary, the available evidence is currently insufficient to determine the role of this variant in disease. Therefore, it has been classified as a Variant of Uncertain Significance.

Ambry Genetics
Classification: Uncertain significance for Inborn genetic diseases. Last evaluated: 2022-01-13. Review status: criteria provided, single submitter. Criteria: Ambry Variant Classification Scheme 2023. Collection method: clinical testing. Allele origin: germline.